The following is an entry in ClinVar:

ClinVar aggregate classification (germline): Uncertain significance (1 of 4 stars; one submission).

gnomAD v4.1: 6 of 1,613,892 alleles (0.00037%); highest among the groups gnomAD compares: Non-Finnish European, 0.00051%; no homozygotes.

Submission:

Dasa
Classification: Uncertain significance. Last evaluated: 2024-10-10. Review status: criteria provided, single submitter. Criteria: DASA Assertion Criteria. Collection method: clinical testing. Allele origin: germline.
Comment: NM_004385.5(VCAN):c.3409G>C (p.Glu1137Gln) is a missense variant that results in the substitution of glutamic acid with glutamine. This variant is rare in population databases. Computational prediction algorithms are consistent with a benign effect. The currently available literature and clinical evidence are not sufficient to establish a definitive association between this variant and the reported condition. Therefore, this variant is classified as a variant of uncertain significance.

NM_004385.5(VCAN):c.3409G>C (p.Glu1137Gln)

Gene: VCAN (versican; plus strand). Cytogenetic location: 5q14.3.
Variant type: single nucleotide variant.
Coding change: c.3409G>C on transcript NM_004385.5 (MANE Select); coding-DNA position 3409, G replaced by C.
Protein change: p.Glu1137Gln; replaces glutamic acid 1137 with glutamine.
Molecular consequence: missense variant. On other transcripts: intron variant (2).
Genome position (GRCh38, 1-based): chr5:83,521,715, G>C. VCF-style: chr5-83521715-G-C. GRCh37 (hg19) VCF-style: chr5-82817534-G-C.
Other names: c.3409G>C, p.Glu1137Gln (NM_001164098.2); c.1042+9319G>C (NM_001164097.2, NM_001126336.3); short protein forms E1137Q.
Identifiers: ClinVar variation 5021070 (VCV005021070.1).